The following is an entry in ClinVar:

ClinVar aggregate classification (germline): Uncertain significance (1 of 4 stars; one submission).

Allele frequency attached by ClinVar (database versions not stated): gnomAD exomes below 0.00001.
gnomAD v4.1: 1 of 1,613,858 alleles (0.000062%); highest among the groups gnomAD compares: Non-Finnish European, 0.000085%; no homozygotes.

Submission:

Labcorp Genetics (formerly Invitae), Labcorp
Classification: Uncertain significance. Last evaluated: 2025-03-31. Review status: criteria provided, single submitter. Criteria: Invitae Variant Classification Sherloc (09022015). Collection method: clinical testing. Allele origin: germline.
Comment: This sequence change replaces alanine, which is neutral and non-polar, with valine, which is neutral and non-polar, at codon 211 of the CARMIL2 protein (p.Ala211Val). This variant is not present in population databases (gnomAD no frequency). This variant has not been reported in the literature in individuals affected with CARMIL2-related conditions. ClinVar contains an entry for this variant (Variation ID: 1034812). Invitae Evidence Modeling of protein sequence and biophysical properties (such as structural, functional, and spatial information, amino acid conservation, physicochemical variation, residue mobility, and thermodynamic stability) indicates that this missense variant is expected to disrupt CARMIL2 protein function with a positive predictive value of 80%. In summary, the available evidence is currently insufficient to determine the role of this variant in disease. Therefore, it has been classified as a Variant of Uncertain Significance.

NM_001013838.3(CARMIL2):c.632C>T (p.Ala211Val)

Gene: CARMIL2 (capping protein regulator and myosin 1 linker 2; plus strand). Cytogenetic location: 16q22.1.
Variant type: single nucleotide variant.
Coding change: c.632C>T on transcript NM_001013838.3 (MANE Select); coding-DNA position 632, C replaced by T.
Protein change: p.Ala211Val; replaces alanine 211 with valine.
Molecular consequence: missense variant.
Genome position (GRCh38, 1-based): chr16:67,647,136, C>T. VCF-style: chr16-67647136-C-T. GRCh37 (hg19) VCF-style: chr16-67681039-C-T.
Other names: c.632C>T, p.Ala211Val (NM_001317026.3); short protein forms A211V.
Identifiers: ClinVar variation 1034812 (VCV001034812.8), dbSNP rs2052608403, ClinGen allele CA396332197.